The following is an entry in ClinVar:

NM_004360.5(CDH1):c.1712-127G>A

Gene: CDH1 (cadherin 1; plus strand). Cytogenetic location: 16q22.1.
Variant type: single nucleotide variant.
Coding change: c.1712-127G>A on transcript NM_004360.5 (MANE Select); 127 bases into the intron before coding-DNA position 1712, G replaced by A.
Molecular consequence: intron variant.
Genome position (GRCh38, 1-based): chr16:68,821,874, G>A. VCF-style: chr16-68821874-G-A. GRCh37 (hg19) VCF-style: chr16-68855777-G-A.
Other names: c.164-127G>A (NM_001317185.2); c.-254-127G>A (NM_001317186.2); c.1529-127G>A (NM_001317184.2).
Identifiers: ClinVar variation 2502974 (VCV002502974.1), dbSNP rs113681937, ClinGen allele CA283311842.
Genomic context (GRCh38, chr16:68,821,874, plus strand): 5'-CAGAGACCTGCCCACCTGGGAGTGGAGGTCCTTTGGGATTGGTGGGACAGGAGGTTCTGC[G>A]GGTGGAGTGGGGCCTGGTGAGGGACCACTGAAGAGCCAGGACAAGATCTAGACTTGGTCT-3'

ClinVar aggregate classification (germline): Uncertain significance (1 of 4 stars; one submission).

Conditions:
Hereditary diffuse gastric adenocarcinoma (HDGC). Also called: DIFFUSE GASTRIC AND LOBULAR BREAST CANCER SYNDROME. Identifiers: Orphanet 26106, MedGen C1708349, MONDO:0007648, OMIM 137215.

Allele frequency attached by ClinVar (database versions not stated): TOPMed 0.00044; gnomAD 0.00045; gnomAD exomes 0.00045.
gnomAD v4.1: 357 of 754,040 alleles (0.047%); highest among the groups gnomAD compares: Middle Eastern, 0.13%; 1 homozygote.

Submission:

European Reference Network on Genetic Tumour Risk Syndromes (ERN-GENTURIS), i3s - Instituto de Investigação e Inovação em Saúde, University of Porto
Classification: Uncertain significance for Hereditary diffuse gastric adenocarcinoma. Last evaluated: 2022-08-01. Review status: criteria provided, single submitter. Criteria: Lee et al. (Hum Mutat. 2018). Collection method: clinical testing. Allele origin: germline. Inheritance: Autosomal dominant inheritance. Affected: no. Study: ERN GENTURIS.
Comment: PM2; BS2_Supporting (PMID: 30311375)

Literature cited by the submitters: PubMed 36436516.